The following is an entry in ClinVar:

NM_001999.4(FBN2):c.6990G>A (p.Arg2330=)

Gene: FBN2 (fibrillin 2; minus strand). Cytogenetic location: 5q23.3.
Variant type: single nucleotide variant.
Coding change: c.6990G>A on transcript NM_001999.4 (MANE Select); coding-DNA position 6990, G replaced by A.
Protein change: p.Arg2330=; no amino-acid change (arginine 2330 retained).
Molecular consequence: synonymous variant.
Genome position (GRCh38, 1-based): chr5:128,286,740, C>T on the plus strand (G>A on the coding strand, the complement: FBN2 is on the minus strand). VCF-style: chr5-128286740-C-T. GRCh37 (hg19) VCF-style: chr5-127622432-C-T.
Identifiers: ClinVar variation 258526 (VCV000258526.15), dbSNP rs28763928, ClinGen allele CA3394255.

ClinVar aggregate classification (germline): Benign/Likely benign. Review status: criteria provided, multiple submitters, no conflicts (2 of 4 stars). 5 submissions from 5 submitters: Benign (1); Likely benign (4). Last evaluated 2025-12-15.

Conditions:
Familial thoracic aortic aneurysm and aortic dissection (TAAD). Also called: Thoracic aortic aneurysms and dissections. Identifiers: Orphanet 91387, MedGen C4707243, MONDO:0019625.
Congenital contractural arachnodactyly (CCA). Also called: BEALS SYNDROME; Arthrogryposis, distal, type 9; Beals-Hecht syndrome. Identifiers: Orphanet 115, MedGen C0220668, MONDO:0007363, OMIM 121050.

Allele frequency attached by ClinVar (database versions not stated): gnomAD 0.00001 and 0.00003; gnomAD exomes 0.00003 and 0.00015; TOPMed 0.00005; ExAC 0.00013; 1000 Genomes Project 30x 0.00031; 1000 Genomes Project 0.00040.
gnomAD v4.1: 53 of 1,614,152 alleles (0.0033%); highest among the groups gnomAD compares: East Asian, 0.11%; no homozygotes.

Submissions (5):

Labcorp Genetics (formerly Invitae), Labcorp
Classification: Benign for Congenital contractural arachnodactyly. Last evaluated: 2025-12-15. Review status: criteria provided, single submitter. Criteria: Invitae Variant Classification Sherloc (09022015). Collection method: clinical testing. Allele origin: germline.

Blueprint Genetics
Classification: Likely benign. Last evaluated: 2024-05-17. Review status: criteria provided, single submitter. Criteria: ACMG Guidelines, 2015. Collection method: clinical testing. Allele origin: germline.

Ambry Genetics
Classification: Likely benign for Familial thoracic aortic aneurysm and aortic dissection. Last evaluated: 2021-06-02. Review status: criteria provided, single submitter. Criteria: Ambry Variant Classification Scheme 2023. Collection method: clinical testing. Allele origin: germline.

GeneDx
Classification: Likely benign. Last evaluated: 2018-02-02. Review status: criteria provided, single submitter. Criteria: GeneDx Variant Classification (06012015). Collection method: clinical testing. Allele origin: germline. Affected: yes.
Comment: This variant is considered likely benign or benign based on one or more of the following criteria: it is a conservative change, it occurs at a poorly conserved position in the protein, it is predicted to be benign by multiple in silico algorithms, and/or has population frequency not consistent with disease.

PreventionGenetics, part of Exact Sciences
Classification: Likely benign. Review status: criteria provided, single submitter. Criteria: ACMG Guidelines, 2015. Collection method: clinical testing. Allele origin: germline.